The following is an entry in ClinVar:

ClinVar aggregate classification (germline): Uncertain significance. Review status: criteria provided, multiple submitters, no conflicts (2 of 4 stars). 2 submissions from 2 submitters: Uncertain significance (2). Last evaluated 2025-09-05.

Conditions:
Inborn genetic diseases. Identifiers: MedGen C0950123, MeSH D030342.

Allele frequency attached by ClinVar (database versions not stated): gnomAD exomes 0.00001.
gnomAD v4.1: 9 of 1,614,270 alleles (0.00056%); highest among the groups gnomAD compares: Admixed American, 0.0083%; no homozygotes.

Submissions (2):

Ambry Genetics
Classification: Uncertain significance for Inborn genetic diseases. Last evaluated: 2025-09-05. Review status: criteria provided, single submitter. Criteria: Ambry Variant Classification Scheme 2023. Collection method: clinical testing. Allele origin: germline.

Labcorp Genetics (formerly Invitae), Labcorp
Classification: Uncertain significance. Last evaluated: 2022-05-21. Review status: criteria provided, single submitter. Criteria: Invitae Variant Classification Sherloc (09022015). Collection method: clinical testing. Allele origin: germline.
Comment: This sequence change replaces valine, which is neutral and non-polar, with alanine, which is neutral and non-polar, at codon 247 of the ACAD9 protein (p.Val247Ala). This variant is present in population databases (no rsID available, gnomAD 0.006%). This variant has not been reported in the literature in individuals affected with ACAD9-related conditions. Advanced modeling of protein sequence and biophysical properties (such as structural, functional, and spatial information, amino acid conservation, physicochemical variation, residue mobility, and thermodynamic stability) performed at Invitae indicates that this missense variant is expected to disrupt ACAD9 protein function. In summary, the available evidence is currently insufficient to determine the role of this variant in disease. Therefore, it has been classified as a Variant of Uncertain Significance.

NM_014049.5(ACAD9):c.740T>C (p.Val247Ala)

Gene: ACAD9 (acyl-CoA dehydrogenase family member 9; plus strand). Cytogenetic location: 3q21.3.
Variant type: single nucleotide variant.
Coding change: c.740T>C on transcript NM_014049.5 (MANE Select); coding-DNA position 740, T replaced by C.
Protein change: p.Val247Ala; replaces valine 247 with alanine.
Molecular consequence: missense variant. On other transcripts: non-coding transcript variant (1).
Genome position (GRCh38, 1-based): chr3:128,899,393, T>C. VCF-style: chr3-128899393-T-C. GRCh37 (hg19) VCF-style: chr3-128618236-T-C.
Other names: c.740T>C (NM_014049.4); c.371T>C, p.Val124Ala (NM_001410805.1); short protein forms V124A, V247A.
Identifiers: ClinVar variation 2054819 (VCV002054819.2), dbSNP rs1388586677, ClinGen allele CA354434605.
Genomic context (GRCh38, chr3:128,899,393, plus strand): 5'-CAAAGACTGAGGTCGTTGATTCTGATGGATCAGTGAAAGACAAAATCACAGCATTCATAG[T>C]AGAAAGAGACTTTGGTGGAGTCACTAATGGGAAACCCGAAGATAAATTAGGCATTCGGGG-3'
Protein context (NP_054768.2, residues 237-257): SVKDKITAFI[Val247Ala]ERDFGGVTNG